The following is an entry in ClinVar:

ClinVar aggregate classification (germline): Uncertain significance (1 of 4 stars; one submission).

Conditions:
Muscular dystrophy-dystroglycanopathy type B6 (MDDGB6). Also called: MUSCULAR DYSTROPHY-DYSTROGLYCANOPATHY (CONGENITAL WITH IMPAIRED INTELLECTUAL DEVELOPMENT), TYPE B, 6; MUSCULAR DYSTROPHY, CONGENITAL, LARGE-RELATED; MUSCULAR DYSTROPHY, CONGENITAL, TYPE 1D. Identifiers: MedGen C1837229, MONDO:0012138, OMIM 608840.

Submission:

Labcorp Genetics (formerly Invitae), Labcorp
Classification: Uncertain significance for Muscular dystrophy-dystroglycanopathy type B6. Last evaluated: 2025-03-31. Review status: criteria provided, single submitter. Criteria: Invitae Variant Classification Sherloc (09022015). Collection method: clinical testing. Allele origin: germline.
Comment: This sequence change replaces tyrosine, which is neutral and polar, with cysteine, which is neutral and slightly polar, at codon 693 of the LARGE1 protein (p.Tyr693Cys). This variant is not present in population databases (gnomAD no frequency). This variant has not been reported in the literature in individuals affected with LARGE1-related conditions. ClinVar contains an entry for this variant (Variation ID: 1989441). Invitae Evidence Modeling of protein sequence and biophysical properties (such as structural, functional, and spatial information, amino acid conservation, physicochemical variation, residue mobility, and thermodynamic stability) indicates that this missense variant is expected to disrupt LARGE1 protein function with a positive predictive value of 80%. In summary, the available evidence is currently insufficient to determine the role of this variant in disease. Therefore, it has been classified as a Variant of Uncertain Significance.

NM_133642.5(LARGE1):c.2078A>G (p.Tyr693Cys)

Gene: LARGE1 (LARGE xylosyl- and glucuronyltransferase 1; minus strand). Cytogenetic location: 22q12.3.
Variant type: single nucleotide variant.
Coding change: c.2078A>G on transcript NM_133642.5 (MANE Select); coding-DNA position 2078, A replaced by G.
Protein change: p.Tyr693Cys; replaces tyrosine 693 with cysteine.
Molecular consequence: missense variant.
Genome position (GRCh38, 1-based): chr22:33,274,620, T>C on the plus strand (A>G on the coding strand, the complement: LARGE1 is on the minus strand). VCF-style: chr22-33274620-T-C. GRCh37 (hg19) VCF-style: chr22-33670606-T-C.
Other names: c.2078A>G, p.Tyr693Cys (NM_001362949.2, NM_001362951.2, NM_001362953.2 and 4 more transcripts); c.1931A>G, p.Tyr644Cys (NM_001378627.1, NM_001378628.1); c.1922A>G, p.Tyr641Cys (NM_001378629.1); c.1475A>G, p.Tyr492Cys (NM_001378630.1); c.1172A>G, p.Tyr391Cys (NM_001378631.1); short protein forms Y492C, Y641C, Y391C, Y644C, Y693C.
Identifiers: ClinVar variation 1989441 (VCV001989441.2), dbSNP rs2546544865, ClinGen allele CA411542614.